The following is an entry in ClinVar:

NM_018685.5(ANLN):c.3203A>C (p.Asp1068Ala)

Gene: ANLN (anillin, actin binding protein; plus strand). Cytogenetic location: 7p14.2.
Variant type: single nucleotide variant.
Coding change: c.3203A>C on transcript NM_018685.5 (MANE Select); coding-DNA position 3203, A replaced by C.
Protein change: p.Asp1068Ala; replaces aspartic acid 1068 with alanine.
Molecular consequence: missense variant.
Genome position (GRCh38, 1-based): chr7:36,449,789, A>C. VCF-style: chr7-36449789-A-C. GRCh37 (hg19) VCF-style: chr7-36489398-A-C.
Other names: c.3092A>C, p.Asp1031Ala (NM_001284301.3); c.3089A>C, p.Asp1030Ala (NM_001284302.3); short protein forms D1030A, D1031A, D1068A.
Identifiers: ClinVar variation 4737396 (VCV004737396.1).
Genomic context (GRCh38, chr7:36,449,789, plus strand): 5'-AATTTTGTGCAAGACGCAACACTTTTGAATTAATTACTGTCCGACCACAAAGAGAAGATG[A>C]CCGAGAGACTCTTGTCAGCCAATGCAGGGACACACTCTGTGTTACCAAGTATGTATTGGC-3'
Protein context (NP_061155.2, residues 1058-1078): LITVRPQRED[Asp1068Ala]RETLVSQCRD

ClinVar aggregate classification (germline): Uncertain significance (1 of 4 stars; one submission).

Submission:

Labcorp Genetics (formerly Invitae), Labcorp
Classification: Uncertain significance. Last evaluated: 2025-09-29. Review status: criteria provided, single submitter. Criteria: Invitae Variant Classification Sherloc (09022015). Collection method: clinical testing. Allele origin: germline.
Comment: This sequence change replaces aspartic acid, which is acidic and polar, with alanine, which is neutral and non-polar, at codon 1068 of the ANLN protein (p.Asp1068Ala). This variant is present in population databases (rs754926472, gnomAD 0.01%). This variant has not been reported in the literature in individuals affected with ANLN-related conditions. Invitae Evidence Modeling of protein sequence and biophysical properties (such as structural, functional, and spatial information, amino acid conservation, physicochemical variation, residue mobility, and thermodynamic stability) indicates that this missense variant is expected to disrupt ANLN protein function with a positive predictive value of 80%. In summary, the available evidence is currently insufficient to determine the role of this variant in disease. Therefore, it has been classified as a Variant of Uncertain Significance.